The following is an entry in ClinVar:

NM_001035.3(RYR2):c.14415A>G (p.Lys4805=)

Gene: RYR2 (ryanodine receptor 2; plus strand). Cytogenetic location: 1q43.
Variant type: single nucleotide variant.
Coding change: c.14415A>G on transcript NM_001035.3 (MANE Select); coding-DNA position 14415, A replaced by G.
Protein change: p.Lys4805=; no amino-acid change (lysine 4805 retained).
Molecular consequence: synonymous variant.
Genome position (GRCh38, 1-based): chr1:237,809,017, A>G. VCF-style: chr1-237809017-A-G. GRCh37 (hg19) VCF-style: chr1-237972317-A-G.
Identifiers: ClinVar variation 43741 (VCV000043741.19), dbSNP rs397516515, ClinGen allele CA008235.

ClinVar aggregate classification (germline): Likely benign. Review status: criteria provided, multiple submitters, no conflicts (2 of 4 stars). 6 submissions from 6 submitters: Likely benign (6). Last evaluated 2025-02-26.

Conditions:
Cardiovascular phenotype. Identifiers: MedGen CN230736.
Cardiomyopathy (CMYO). Also called: Cardiomyopathies. Identifiers: Orphanet 167848, MedGen C0878544, MONDO:0004994, HP:0001638. Inheritance: Various modes of inheritance.
Catecholaminergic polymorphic ventricular tachycardia 1. Also called: VENTRICULAR TACHYCARDIA, STRESS-INDUCED POLYMORPHIC 1; VENTRICULAR TACHYCARDIA, CATECHOLAMINERGIC POLYMORPHIC, 1, WITH OR WITHOUT ATRIAL DYSFUNCTION AND/OR DILATED CARDIOMYOPATHY; RYR2-Related Catecholaminergic Polymorphic Ventricular Tachycardia. Identifiers: Orphanet 3286, MedGen C1631597, MONDO:0011484, OMIM 604772.
Catecholaminergic polymorphic ventricular tachycardia (CVPT). Also called: Catecholamine-induced polymorphic ventricular tachycardia. Identifiers: Orphanet 3286, MedGen C5574922, MONDO:0017990.

Allele frequency attached by ClinVar (database versions not stated): ExAC 0.00001; gnomAD 0.00001; gnomAD exomes 0.00001 and 0.00002; TOPMed 0.00001.
gnomAD v4.1: 11 of 1,613,352 alleles (0.00068%); highest among the groups gnomAD compares: Non-Finnish European, 0.000085%; no homozygotes.

Submissions (6):

Labcorp Genetics (formerly Invitae), Labcorp
Classification: Likely benign for Catecholaminergic polymorphic ventricular tachycardia 1. Last evaluated: 2025-02-26. Review status: criteria provided, single submitter. Criteria: Invitae Variant Classification Sherloc (09022015). Collection method: clinical testing. Allele origin: germline.

All of Us Research Program, National Institutes of Health
Classification: Likely benign for Catecholaminergic polymorphic ventricular tachycardia. Last evaluated: 2023-11-20. Review status: criteria provided, single submitter. Criteria: ACMG Guidelines, 2015. Collection method: clinical testing. Allele origin: germline. Inheritance: Autosomal dominant inheritance. Observed: 4 variant alleles, 4 heterozygotes.
Comment: This study involves interpretation of variants in research participants for the purpose of population health screening. Participant phenotype was not available at the time of variant classification. Additional details can be found in publication PMID: 35346344, PMCID: PMC8962531

Ambry Genetics
Classification: Likely benign for Cardiovascular phenotype. Last evaluated: 2022-03-19. Review status: criteria provided, single submitter. Criteria: Ambry Variant Classification Scheme 2023. Collection method: clinical testing. Allele origin: germline.

Color Diagnostics, LLC DBA Color Health
Classification: Likely benign for Cardiomyopathy. Last evaluated: 2019-03-11. Review status: criteria provided, single submitter. Criteria: ACMG Guidelines, 2015. Collection method: clinical testing. Allele origin: germline.

GeneDx
Classification: Likely benign. Last evaluated: 2015-12-01. Review status: criteria provided, single submitter. Criteria: GeneDx Variant Classification (06012015). Collection method: clinical testing. Allele origin: germline. Affected: yes.
Comment: This variant is considered likely benign or benign based on one or more of the following criteria: it is a conservative change, it occurs at a poorly conserved position in the protein, it is predicted to be benign by multiple in silico algorithms, and/or has population frequency not consistent with disease.

Laboratory for Molecular Medicine, Mass General Brigham Personalized Medicine
Classification: Likely benign. Last evaluated: 2012-10-17. Review status: criteria provided, single submitter. Criteria: LMM Criteria. Collection method: clinical testing. Allele origin: germline. Observed: 1 variant allele.
Comment: Lys4805Lys in exon 100 of RYR2: This variant is not expected to have clinical si gnificance because it does not alter an amino acid residue and is not located wi thin the splice consensus sequence. Lys4805Lys in exon 100 of RYR2 (allele fre quency = n/a)